The following is an entry in ClinVar:

ClinVar aggregate classification (germline): Pathogenic (1 of 4 stars; one submission).

Submission:

Mayo Clinic Laboratories, Mayo Clinic
Classification: Pathogenic. Last evaluated: 2025-02-24. Review status: criteria provided, single submitter. Criteria: ACMG Guidelines, 2015. Collection method: clinical testing. Allele origin: germline. Observed: 1 variant allele.
Comment: PM2_supporting, PM3_supporting, PVS1

Literature cited by the submitters: PubMed 35026838.

NM_025137.4(SPG11):c.3965del (p.Gly1322fs)

Gene: SPG11 (SPG11 vesicle trafficking associated, spatacsin; minus strand). Cytogenetic location: 15q21.1.
Variant type: Deletion.
Coding change: c.3965del on transcript NM_025137.4 (MANE Select); coding-DNA position 3965, one base deleted (G; older notation c.3965delG).
Protein change: p.Gly1322fs; shifts the reading frame from glycine 1322.
Molecular consequence: frameshift variant.
Genome position (GRCh38, 1-based): chr15:44,598,301, C deleted on the plus strand (G on the coding strand, the reverse complement: SPG11 is on the minus strand); the first of 2 consecutive C bases (chr15:44,598,301-44,598,302); deleting either gives the same sequence. VCF-style (leftmost placement, unchanged base first): chr15-44598300-AC-A. GRCh37 (hg19) VCF-style: chr15-44890498-AC-A.
Other names: p.Gly1322Valfs*11; c.3965del, p.Gly1322fs (NM_001160227.2, NM_001411132.1); short protein forms G1322fs.
Identifiers: ClinVar variation 4541935 (VCV004541935.1).